The following is an entry in ClinVar:

NM_002024.6(FMR1):c.1572C>T (p.Ser524=)

Gene: FMR1 (fragile X messenger ribonucleoprotein 1; plus strand). Cytogenetic location: Xq27.3.
Variant type: single nucleotide variant.
Coding change: c.1572C>T on transcript NM_002024.6 (MANE Select); coding-DNA position 1572, C replaced by T.
Protein change: p.Ser524=; no amino-acid change (serine 524 retained).
Molecular consequence: synonymous variant. On other transcripts: missense variant (2), non-coding transcript variant (2).
Genome position (GRCh38, 1-based): chrX:147,944,969, C>T. VCF-style: chrX-147944969-C-T. GRCh37 (hg19) VCF-style: chrX-147026489-C-T.
Other names: p.Ser524=; c.1301C>T, p.Ala434Val (NM_001185075.2); c.1509C>T, p.Ser503= (NM_001185076.2); c.1238C>T, p.Ala413Val (NM_001185081.2); c.1434C>T, p.Ser478= (NM_001185082.2); c.1301C>T (NM_001185075.1); short protein forms A434V, A413V.
Identifiers: ClinVar variation 211027 (VCV000211027.21), dbSNP rs143889976, ClinGen allele CA206490.

ClinVar aggregate classification (germline): Benign/Likely benign. Review status: criteria provided, multiple submitters, no conflicts (2 of 4 stars). 10 submissions from 10 submitters: Benign (2); Likely benign (4). 4 of the submissions do not count toward it. Last evaluated 2025-02-16.

Conditions:
FMR1-related disorder. Also called: FMR1-related condition.
Inborn genetic diseases. Identifiers: MedGen C0950123, MeSH D030342.
Fragile X syndrome. Also called: Fra(X) syndrome; MARKER X SYNDROME; MARTIN-BELL SYNDROME; MENTAL RETARDATION, X-LINKED, ASSOCIATED WITH marXq28; X-LINKED MENTAL RETARDATION AND MACROORCHIDISM; Fragile X syndrome, type A. Identifiers: Orphanet 449291, Orphanet 908, MedGen C0016667, MONDO:0010383, OMIM 300624. Disease mechanism: loss of function.

Allele frequency attached by ClinVar (database versions not stated): gnomAD 0.00117 and 0.00125; ExAC 0.00122; ESP Exome Variant Server 0.00161; gnomAD exomes 0.00172 and 0.00098; TOPMed 0.00115; 1000 Genomes Project 0.00053; 1000 Genomes Project 30x 0.00083.
gnomAD v4.1: 2,001 of 1,204,544 alleles (0.17%); highest among the groups gnomAD compares: Non-Finnish European, 0.21%; 4 homozygotes.

Submissions (10):

Laboratory of Genetics, Children's Clinical University Hospital Latvia
Classification: Likely benign. Last evaluated: 2025-02-16. Review status: criteria provided, single submitter. Criteria: ACMG Guidelines, 2015. Collection method: clinical testing. Allele origin: germline. Affected: yes.

Blueprint Genetics
Classification: Likely benign. Last evaluated: 2024-11-28. Review status: criteria provided, single submitter. Criteria: ACMG Guidelines, 2015. Collection method: clinical testing. Allele origin: germline.

Mayo Clinic Laboratories, Mayo Clinic
Classification: Benign. Last evaluated: 2024-05-28. Review status: criteria provided, single submitter. Criteria: ACMG Guidelines, 2015. Collection method: clinical testing. Allele origin: germline. Observed: 10 variant alleles.
Comment: BS1, BS2, BP4, BP7

Ambry Genetics
Classification: Likely benign for Inborn genetic diseases. Last evaluated: 2016-06-08. Review status: criteria provided, single submitter. Criteria: Ambry Variant Classification Scheme 2023. Collection method: clinical testing. Allele origin: germline.

Eurofins Ntd Llc (ga)
Classification: Benign. Last evaluated: 2016-04-05. Review status: criteria provided, single submitter. Criteria: EGL Classification Definitions 2015. Collection method: clinical testing. Allele origin: germline. Observed: 1 variant allele, 1 hemizygote.

Genetic Services Laboratory, University of Chicago
Classification: Likely benign. Last evaluated: 2015-06-23. Review status: criteria provided, single submitter. Criteria: ACMG Guidelines, 2015. Collection method: clinical testing. Allele origin: germline.

PreventionGenetics, part of Exact Sciences
Classification: Likely benign for FMR1-related condition. Last evaluated: 2024-01-16. Review status: no assertion criteria provided. Collection method: clinical testing. Allele origin: germline. Not counted in ClinVar's aggregate classification.
Comment: This variant is classified as likely benign based on ACMG/AMP sequence variant interpretation guidelines (Richards et al. 2015 PMID: 25741868, with internal and published modifications).

Natera, Inc.
Classification: Likely benign for Fragile X syndrome. Last evaluated: 2020-09-16. Review status: no assertion criteria provided. Collection method: clinical testing. Allele origin: germline. Not counted in ClinVar's aggregate classification.

Clinical Genetics DNA and cytogenetics Diagnostics Lab, Erasmus MC, Erasmus Medical Center
Classification: Likely benign. Review status: no assertion criteria provided. Collection method: clinical testing. Allele origin: germline. Affected: yes. Study: VKGL Data-share Consensus. Not counted in ClinVar's aggregate classification.

Laboratory of Diagnostic Genome Analysis, Leiden University Medical Center (LUMC)
Classification: Likely benign. Review status: no assertion criteria provided. Collection method: clinical testing. Allele origin: germline. Affected: yes. Study: VKGL Data-share Consensus. Not counted in ClinVar's aggregate classification.

Literature cited by the submitters: PubMed 25171808 (cited by Mayo Clinic Laboratories, Mayo Clinic and Ambry Genetics).